The following is an entry in ClinVar:

NC_000022.10:g.(?_40749057)_(40750351_?)del

Gene: ADSL (adenylosuccinate lyase; plus strand). Cytogenetic location: 22q13.1.
Variant type: Deletion.
Identifiers: ClinVar variation 1454363 (VCV001454363.4).

ClinVar aggregate classification (germline): Pathogenic (1 of 4 stars; one submission).

Conditions:
Adenylosuccinate lyase deficiency (ADSLD). Also called: ADSL DEFICIENCY. Identifiers: Orphanet 46, MedGen C0268126, MONDO:0007068, OMIM 103050.

Submission:

Labcorp Genetics (formerly Invitae), Labcorp
Classification: Pathogenic for Adenylosuccinate lyase deficiency. Last evaluated: 2023-10-03. Review status: criteria provided, single submitter. Criteria: Invitae Variant Classification Sherloc (09022015). Collection method: clinical testing. Allele origin: germline.
Comment: This variant is a gross deletion of the genomic region encompassing exon(s) 3-4 of the ADSL gene. This deletion is out-of-frame, and is expected to create a premature termination codon and result in an absent or disrupted protein product. Loss-of-function variants in ADSL are known to be pathogenic (PMID: 10888601, 20177786). This variant has not been reported in the literature in individuals affected with ADSL-related conditions. For these reasons, this variant has been classified as Pathogenic.

Literature cited by the submitters: PubMed 10888601; PubMed 20177786.